The following is an entry in ClinVar:

ClinVar aggregate classification (germline): Uncertain significance (1 of 4 stars; one submission).

Conditions:
Neurofibromatosis, type 1 (NF1). Also called: NEUROFIBROMATOSIS, TYPE I, SOMATIC; VON RECKLINGHAUSEN DISEASE; Peripheral type neurofibromatosis; Neurofibromatosis, type I. Identifiers: Orphanet 636, MedGen C0027831, MONDO:0018975, OMIM 162200. Disease mechanism: loss of function.

Submission:

Labcorp Genetics (formerly Invitae), Labcorp
Classification: Uncertain significance for Neurofibromatosis, type 1. Last evaluated: 2024-10-23. Review status: criteria provided, single submitter. Criteria: Invitae Variant Classification Sherloc (09022015). Collection method: clinical testing. Allele origin: germline.
Comment: This sequence change replaces arginine, which is basic and polar, with glycine, which is neutral and non-polar, at codon 366 of the NF1 protein (p.Arg366Gly). This variant is not present in population databases (gnomAD no frequency). This variant has not been reported in the literature in individuals affected with NF1-related conditions. ClinVar contains an entry for this variant (Variation ID: 1935224). Invitae Evidence Modeling of protein sequence and biophysical properties (such as structural, functional, and spatial information, amino acid conservation, physicochemical variation, residue mobility, and thermodynamic stability) indicates that this missense variant is expected to disrupt NF1 protein function with a positive predictive value of 95%. In summary, the available evidence is currently insufficient to determine the role of this variant in disease. Therefore, it has been classified as a Variant of Uncertain Significance.

NM_001042492.3(NF1):c.1096A>G (p.Arg366Gly)

Gene: NF1 (neurofibromin 1; plus strand). Cytogenetic location: 17q11.2.
Variant type: single nucleotide variant.
Coding change: c.1096A>G on transcript NM_001042492.3 (MANE Select); coding-DNA position 1096, A replaced by G.
Protein change: p.Arg366Gly; replaces arginine 366 with glycine.
Molecular consequence: missense variant.
Genome position (GRCh38, 1-based): chr17:31,201,070, A>G. VCF-style: chr17-31201070-A-G. GRCh37 (hg19) VCF-style: chr17-29528088-A-G.
Other names: c.1096A>G, p.Arg366Gly (NM_000267.4, NM_001128147.3); short protein forms R366G.
Identifiers: ClinVar variation 1935224 (VCV001935224.5), dbSNP rs2544796910, ClinGen allele CA398996828.
Genomic context (GRCh38, chr17:31,201,070, plus strand): 5'-TTTTGTTTTCTGTTGGGGTTTTTATAGAACCTGCTTTTTAATCCAAGTAAGCCATTCTCA[A>G]GAGGCAGTCAGCCTGCAGATGTGGATCTAATGATTGACTGCCTTGTTTCTTGCTTTCGTA-3'
Protein context (NP_001035957.1, residues 356-376): LLFNPSKPFS[Arg366Gly]GSQPADVDLM